The following is an entry in ClinVar:

NM_001184.4(ATR):c.1220T>A (p.Ile407Asn)

Gene: ATR (ATR checkpoint kinase; minus strand). Cytogenetic location: 3q23.
Variant type: single nucleotide variant.
Coding change: c.1220T>A on transcript NM_001184.4 (MANE Select); coding-DNA position 1220, T replaced by A.
Protein change: p.Ile407Asn; replaces isoleucine 407 with asparagine.
Molecular consequence: missense variant.
Genome position (GRCh38, 1-based): chr3:142,561,372, A>T on the plus strand (T>A on the coding strand, the complement: ATR is on the minus strand). VCF-style: chr3-142561372-A-T. GRCh37 (hg19) VCF-style: chr3-142280214-A-T.
Other names: c.1220T>A, p.Ile407Asn (NM_001354579.2); short protein forms I407N.
Identifiers: ClinVar variation 1753017 (VCV001753017.2), dbSNP rs2473421808, ClinGen allele CA354823390.

ClinVar aggregate classification (germline): Uncertain significance (1 of 4 stars; one submission).

Conditions:
Inborn genetic diseases. Identifiers: MedGen C0950123, MeSH D030342.

Allele frequency attached by ClinVar (database versions not stated): gnomAD exomes below 0.00001.
gnomAD v4.1: 1 of 1,613,992 alleles (0.000062%); highest among the groups gnomAD compares: Non-Finnish European, 0.000085%; no homozygotes.

Submission:

Ambry Genetics
Classification: Uncertain significance for Inborn genetic diseases. Last evaluated: 2021-10-19. Review status: criteria provided, single submitter. Criteria: Ambry Variant Classification Scheme 2023. Collection method: clinical testing. Allele origin: germline.
Comment: The p.I407N variant (also known as c.1220T>A), located in coding exon 5 of the ATR gene, results from a T to A substitution at nucleotide position 1220. The isoleucine at codon 407 is replaced by asparagine, an amino acid with dissimilar properties. This amino acid position is conserved. In addition, this alteration is predicted to be tolerated by in silico analysis. Since supporting evidence is limited at this time, the clinical significance of this alteration remains unclear.